The following is an entry in ClinVar:

ClinVar aggregate classification (germline): Uncertain significance (1 of 4 stars; one submission).

Conditions:
BCORL1-related disorder. Also called: BCORL1-related condition.

Allele frequency attached by ClinVar (database versions not stated): gnomAD exomes below 0.00001; gnomAD 0.00001; TOPMed 0.00002.
gnomAD v4.1: 5 of 1,210,064 alleles (0.00041%); highest among the groups gnomAD compares: African/African-American, 0.0087%; no homozygotes.

Submission:

PreventionGenetics, part of Exact Sciences
Classification: Uncertain significance for BCORL1-related condition. Last evaluated: 2023-09-07. Review status: criteria provided, single submitter. Criteria: ACMG Guidelines, 2015. Collection method: clinical testing. Allele origin: germline.
Comment: The BCORL1 c.3220G>A variant is predicted to result in the amino acid substitution p.Ala1074Thr. To our knowledge, this variant has not been reported in the literature. This variant is reported in 0.017% of alleles in individuals of African descent in gnomAD. At this time, the clinical significance of this variant is uncertain due to the absence of conclusive functional and genetic evidence.

NM_001379451.1(BCORL1):c.3220G>A (p.Ala1074Thr)

Gene: BCORL1 (BCL6 corepressor like 1; plus strand). Cytogenetic location: Xq26.1.
Variant type: single nucleotide variant.
Coding change: c.3220G>A on transcript NM_001379451.1 (MANE Select); coding-DNA position 3220, G replaced by A.
Protein change: p.Ala1074Thr; replaces alanine 1074 with threonine.
Molecular consequence: missense variant.
Genome position (GRCh38, 1-based): chrX:130,015,992, G>A. VCF-style: chrX-130015992-G-A. GRCh37 (hg19) VCF-style: chrX-129149968-G-A.
Other names: c.3220G>A, p.Ala1074Thr (NM_001184772.3, NM_001379450.1, NM_021946.5); short protein forms A1074T.
Identifiers: ClinVar variation 2628502 (VCV002628502.1), dbSNP rs921699067, ClinGen allele CA335103412.